The following is an entry in ClinVar:

ClinVar aggregate classification (germline): Uncertain significance (1 of 4 stars; one submission).

Conditions:
Cardiovascular phenotype. Identifiers: MedGen CN230736.

Submission:

Ambry Genetics
Classification: Uncertain significance for Cardiovascular phenotype. Last evaluated: 2026-06-06. Review status: criteria provided, single submitter. Criteria: Ambry Variant Classification Scheme 2023. Collection method: clinical testing. Allele origin: germline.
Comment: The p.C443F variant (also known as c.1328G>T), located in coding exon 8 of the ACVRL1 gene, results from a G to T substitution at nucleotide position 1328. The cysteine at codon 443 is replaced by phenylalanine, an amino acid with highly dissimilar properties. This amino acid position is conserved. In addition, this alteration is predicted to be deleterious by in silico analysis. Based on the available evidence, the clinical significance of this variant remains unclear.

NM_000020.3(ACVRL1):c.1328G>T (p.Cys443Phe)

Gene: ACVRL1 (activin A receptor like type 1; plus strand). Cytogenetic location: 12q13.13.
Variant type: single nucleotide variant.
Coding change: c.1328G>T on transcript NM_000020.3 (MANE Select); coding-DNA position 1328, G replaced by T.
Protein change: p.Cys443Phe; replaces cysteine 443 with phenylalanine.
Molecular consequence: missense variant.
Genome position (GRCh38, 1-based): chr12:51,919,066, G>T. VCF-style: chr12-51919066-G-T. GRCh37 (hg19) VCF-style: chr12-52312850-G-T.
Other names: c.1328G>T, p.Cys443Phe (NM_001406487.1, NM_001406488.1, NM_001406489.1 and 1 more transcripts); c.1172G>T, p.Cys391Phe (NM_001406490.1); c.1016G>T, p.Cys339Phe (NM_001406491.1, NM_001406492.1, NM_001406493.1); c.818G>T, p.Cys273Phe (NM_001406494.1); c.764G>T, p.Cys255Phe (NM_001406495.1); short protein forms C255F, C273F, C339F, C391F, C443F.
Identifiers: ClinVar variation 4867611 (VCV004867611.1).